The following is an entry in ClinVar:

NM_001378964.1(CDON):c.*3141A>G

Gene: CDON (cell adhesion associated, oncogene regulated; minus strand). Cytogenetic location: 11q24.2.
Variant type: single nucleotide variant.
Coding change: c.*3141A>G on transcript NM_001378964.1 (MANE Select); 3141 bases downstream of the stop codon, A replaced by G.
Molecular consequence: 3 prime UTR variant.
Genome position (GRCh38, 1-based): chr11:125,957,801, T>C on the plus strand (A>G on the coding strand, the complement: CDON is on the minus strand). VCF-style: chr11-125957801-T-C. GRCh37 (hg19) VCF-style: chr11-125827696-T-C.
Other names: c.*3141A>G (NM_001243597.3, NM_016952.6).
Identifiers: ClinVar variation 303392 (VCV000303392.29), dbSNP rs191432564, ClinGen allele CA10638280.
Genomic context (GRCh38, chr11:125,957,801, plus strand): 5'-TCGACAAAAACACCCAGAAAGAAAGGCTTTTGCTAAGAACACTTCAAAAGGTTTAGAACA[T>C]TGCAATGTAACTTGCACCCTGGCAGCACCTGTCACCAGACTGTCAGTGCAAAACTGAAAG-3'

ClinVar aggregate classification (germline): Benign/Likely benign. Review status: criteria provided, multiple submitters, no conflicts (2 of 4 stars). 2 submissions from 2 submitters: Benign (1); Likely benign (1). Last evaluated 2022-07-01.

Conditions:
Holoprosencephaly 11 (HPE11). Identifiers: Orphanet 2162, MedGen C3280215, MONDO:0013642, OMIM 614226.

Allele frequency attached by ClinVar (database versions not stated): 1000 Genomes Project 0.00160; 1000 Genomes Project 30x 0.00234; gnomAD 0.00256 and 0.00257; TOPMed 0.00275.

Submissions (2):

CeGaT Center for Human Genetics Tuebingen
Classification: Likely benign. Last evaluated: 2022-07-01. Review status: criteria provided, single submitter. Criteria: CeGaT Center For Human Genetics Tuebingen Variant Classification Criteria Version 2. Collection method: clinical testing. Allele origin: germline. Affected: yes. Observed: 1 variant allele.
Comment: CDON: BP4

Illumina Laboratory Services, Illumina
Classification: Benign for Holoprosencephaly 11. Last evaluated: 2018-01-12. Review status: criteria provided, single submitter. Criteria: ICSL Variant Classification Criteria 13 December 2019. Collection method: clinical testing. Allele origin: germline.
Comment: This variant was observed in the ICSL laboratory as part of a predisposition screen in an ostensibly healthy population. It had not been previously curated by ICSL or reported in the Human Gene Mutation Database (HGMD: prior to June 1st, 2018), and was therefore a candidate for classification through an automated scoring system. Utilizing variant allele frequency, disease prevalence and penetrance estimates, and inheritance mode, an automated score was calculated to assess if this variant is too frequent to cause the disease. Based on the score and internal cut-off values, a variant classified as benign is not then subjected to further curation. The score for this variant resulted in a classification of benign for this disease.